The following is an entry in ClinVar:

ClinVar aggregate classification (germline): Uncertain significance (1 of 4 stars; one submission).

gnomAD v4.1: 7 of 1,599,460 alleles (0.00044%); highest among the groups gnomAD compares: African/African-American, 0.0013%; no homozygotes.

Submission:

Labcorp Genetics (formerly Invitae), Labcorp
Classification: Uncertain significance. Last evaluated: 2023-06-23. Review status: criteria provided, single submitter. Criteria: Invitae Variant Classification Sherloc (09022015). Collection method: clinical testing. Allele origin: germline.
Comment: This sequence change replaces aspartic acid, which is acidic and polar, with glycine, which is neutral and non-polar, at codon 350 of the ARHGEF1 protein (p.Asp350Gly). In summary, the available evidence is currently insufficient to determine the role of this variant in disease. Therefore, it has been classified as a Variant of Uncertain Significance. An algorithm developed to predict the effect of missense changes on protein structure and function (PolyPhen-2) suggests that this variant is likely to be disruptive. This variant has not been reported in the literature in individuals affected with ARHGEF1-related conditions. This variant is present in population databases (no rsID available, gnomAD 0.0009%).

NM_004706.4(ARHGEF1):c.1004A>G (p.Asp335Gly)

Gene: ARHGEF1 (Rho guanine nucleotide exchange factor 1; plus strand). Cytogenetic location: 19q13.2.
Variant type: single nucleotide variant.
Coding change: c.1004A>G on transcript NM_004706.4 (MANE Select); coding-DNA position 1004, A replaced by G.
Protein change: p.Asp335Gly; replaces aspartic acid 335 with glycine.
Molecular consequence: missense variant. On other transcripts: non-coding transcript variant (2).
Genome position (GRCh38, 1-based): chr19:41,895,475, A>G. VCF-style: chr19-41895475-A-G. GRCh37 (hg19) VCF-style: chr19-42399548-A-G.
Other names: c.1004A>G, p.Asp335Gly (NM_001396000.1, NM_001396003.1, NM_001396006.1); c.905A>G, p.Asp302Gly (NM_001396002.1, NM_001396004.1, NM_198977.2); c.1049A>G, p.Asp350Gly (NM_199002.2); short protein forms D302G, D335G, D350G.
Identifiers: ClinVar variation 2784853 (VCV002784853.3), dbSNP rs1555847400, ClinGen allele CA406055155.